The following is an entry in ClinVar:

NM_001364905.1(LRBA):c.545G>A (p.Arg182Gln)

Gene: LRBA (LPS responsive beige-like anchor protein; minus strand). Cytogenetic location: 4q31.3.
Variant type: single nucleotide variant.
Coding change: c.545G>A on transcript NM_001364905.1 (MANE Select); coding-DNA position 545, G replaced by A.
Protein change: p.Arg182Gln; replaces arginine 182 with glutamine.
Molecular consequence: missense variant.
Genome position (GRCh38, 1-based): chr4:150,928,520, C>T on the plus strand (G>A on the coding strand, the complement: LRBA is on the minus strand). VCF-style: chr4-150928520-C-T. GRCh37 (hg19) VCF-style: chr4-151849672-C-T.
Other names: c.545G>A, p.Arg182Gln (NM_001199282.3, NM_001367550.1, NM_006726.5); short protein forms R182Q.
Identifiers: ClinVar variation 540398 (VCV000540398.7), dbSNP rs769037604, ClinGen allele CA3103839.

ClinVar aggregate classification (germline): Uncertain significance. Review status: criteria provided, multiple submitters, no conflicts (2 of 4 stars). 2 submissions from 2 submitters: Uncertain significance (2). Last evaluated 2024-06-15.

Conditions:
Combined immunodeficiency due to LRBA deficiency. Also called: Common variable immunodeficiency 8, with autoimmunity. Identifiers: Orphanet 445018, MedGen C3553512, MONDO:0013863, OMIM 614700.

Allele frequency attached by ClinVar (database versions not stated): ExAC 0.00001; gnomAD exomes 0.00001 and 0.00002; TOPMed 0.00002; gnomAD 0.00003.
gnomAD v4.1: 28 of 1,610,128 alleles (0.0017%); highest among the groups gnomAD compares: Non-Finnish European, 0.002%; no homozygotes.

Submissions (2):

Blueprint Genetics
Classification: Uncertain significance. Last evaluated: 2024-06-15. Review status: criteria provided, single submitter. Criteria: ACMG Guidelines, 2015. Collection method: clinical testing. Allele origin: germline.

Labcorp Genetics (formerly Invitae), Labcorp
Classification: Uncertain significance for Combined immunodeficiency due to LRBA deficiency. Last evaluated: 2022-07-06. Review status: criteria provided, single submitter. Criteria: Invitae Variant Classification Sherloc (09022015). Collection method: clinical testing. Allele origin: germline.
Comment: This sequence change replaces arginine, which is basic and polar, with glutamine, which is neutral and polar, at codon 182 of the LRBA protein (p.Arg182Gln). This variant is present in population databases (rs769037604, gnomAD 0.0008%). This variant has not been reported in the literature in individuals affected with LRBA-related conditions. ClinVar contains an entry for this variant (Variation ID: 540398). Algorithms developed to predict the effect of missense changes on protein structure and function output the following: SIFT: "Tolerated"; PolyPhen-2: "Benign"; Align-GVGD: "Class C0". The glutamine amino acid residue is found in multiple mammalian species, which suggests that this missense change does not adversely affect protein function. In summary, the available evidence is currently insufficient to determine the role of this variant in disease. Therefore, it has been classified as a Variant of Uncertain Significance.